The following is an entry in ClinVar:

ClinVar aggregate classification (germline): Uncertain significance (1 of 4 stars; one submission).

Conditions:
Ataxia-telangiectasia syndrome (AT). Also called: Ataxia-telangiectasia, complementation group D; AT, COMPLEMENTATION GROUP C; Cerebello-oculocutaneous telangiectasia; Immunodeficiency with ataxia telangiectasia; Ataxia-telangiectasia, complementation group E; LOUIS-BAR SYNDROME. Identifiers: Orphanet 100, MedGen C0004135, MONDO:0008840, OMIM 208900.

Submission:

Labcorp Genetics (formerly Invitae), Labcorp
Classification: Uncertain significance for Ataxia-telangiectasia syndrome. Last evaluated: 2022-02-10. Review status: criteria provided, single submitter. Criteria: Invitae Variant Classification Sherloc (09022015). Collection method: clinical testing. Allele origin: germline.
Comment: Advanced modeling of protein sequence and biophysical properties (such as structural, functional, and spatial information, amino acid conservation, physicochemical variation, residue mobility, and thermodynamic stability) performed at Invitae indicates that this missense variant is not expected to disrupt ATM protein function. This variant has not been reported in the literature in individuals affected with ATM-related conditions. This variant is not present in population databases (gnomAD no frequency). This sequence change replaces alanine, which is neutral and non-polar, with threonine, which is neutral and polar, at codon 1375 of the ATM protein (p.Ala1375Thr). In summary, the available evidence is currently insufficient to determine the role of this variant in disease. Therefore, it has been classified as a Variant of Uncertain Significance.

NM_000051.4(ATM):c.4123G>A (p.Ala1375Thr)

Gene: ATM (ATM serine/threonine kinase; plus strand). Cytogenetic location: 11q22.3.
Variant type: single nucleotide variant.
Coding change: c.4123G>A on transcript NM_000051.4 (MANE Select); coding-DNA position 4123, G replaced by A.
Protein change: p.Ala1375Thr; replaces alanine 1375 with threonine.
Molecular consequence: missense variant.
Genome position (GRCh38, 1-based): chr11:108,288,990, G>A. VCF-style: chr11-108288990-G-A. GRCh37 (hg19) VCF-style: chr11-108159717-G-A.
Other names: c.4123G>A, p.Ala1375Thr (NM_001351834.2); short protein forms A1375T.
Identifiers: ClinVar variation 1465256 (VCV001465256.6), dbSNP rs2135750720, ClinGen allele CA382529814.